The following is an entry in ClinVar:

NM_152703.5(SAMD9L):c.1768T>C (p.Trp590Arg)

Gene: SAMD9L (sterile alpha motif domain containing 9 like; minus strand). Cytogenetic location: 7q21.2.
Variant type: single nucleotide variant.
Coding change: c.1768T>C on transcript NM_152703.5 (MANE Select); coding-DNA position 1768, T replaced by C.
Protein change: p.Trp590Arg; replaces tryptophan 590 with arginine.
Molecular consequence: missense variant.
Genome position (GRCh38, 1-based): chr7:93,134,204, A>G on the plus strand (T>C on the coding strand, the complement: SAMD9L is on the minus strand). VCF-style: chr7-93134204-A-G. GRCh37 (hg19) VCF-style: chr7-92763517-A-G.
Other names: c.1768T>C, p.Trp590Arg (NM_001303496.3, NM_001303497.3, NM_001303498.3 and 5 more transcripts); short protein forms W590R.
Identifiers: ClinVar variation 4844806 (VCV004844806.1).

ClinVar aggregate classification (germline): Uncertain significance (1 of 4 stars; one submission).

Conditions:
Inborn genetic diseases. Identifiers: MedGen C0950123, MeSH D030342.

Submission:

Ambry Genetics
Classification: Uncertain significance for Inborn genetic diseases. Last evaluated: 2026-01-22. Review status: criteria provided, single submitter. Criteria: Ambry Variant Classification Scheme 2023. Collection method: clinical testing. Allele origin: germline.
Comment: The p.W590R variant (also known as c.1768T>C), located in coding exon 1 of the SAMD9L gene, results from a T to C substitution at nucleotide position 1768. The tryptophan at codon 590 is replaced by arginine, an amino acid with dissimilar properties. This amino acid position is conserved. In addition, the in silico prediction for this alteration is inconclusive. Based on the available evidence, the clinical significance of this variant remains unclear.